The following is an entry in ClinVar:

ClinVar aggregate classification (germline): Uncertain significance (0 of 4 stars; one submission).

gnomAD v4.1: 10 of 1,613,818 alleles (0.00062%); highest among the groups gnomAD compares: Non-Finnish European, 0.00085%; no homozygotes.

Submission:

Department of Pathology and Laboratory Medicine, Sinai Health System
Classification: Uncertain significance. Review status: no assertion criteria provided. Collection method: clinical testing. Allele origin: unknown. Affected: yes. Study: The Canadian Open Genetics Repository (COGR).
Comment: The SRCAP p.Ser538Arg variant was not identified in the literature nor was it identified in the ClinVar, Cosmic, MutDB or LOVD 3.0 databases. The variant was identified in dbSNP (ID: rs374756213). The variant was not identified in the following control databases: the 1000 Genomes Project, the NHLBI GO Exome Sequencing Project, the Exome Aggregation Consortium (August 8th 2016), or the Genome Aggregation Database (Feb 27, 2017). The p.Ser538 residue is not conserved in mammals and computational analyses (PolyPhen-2, SIFT, AlignGVGD, BLOSUM, MutationTaster) provide inconsistent predictions regarding the impact to the protein; this information is not very predictive of pathogenicity. In summary, based on the above information the clinical significance of this variant cannot be determined with certainty at this time. This variant is classified as a variant of uncertain significance.

NM_006662.3(SRCAP):c.1614C>G (p.Ser538Arg)

Gene: SRCAP (Snf2 related CREBBP activator protein; plus strand). Cytogenetic location: 16p11.2.
Variant type: single nucleotide variant.
Coding change: c.1614C>G on transcript NM_006662.3 (MANE Select); coding-DNA position 1614, C replaced by G.
Protein change: p.Ser538Arg; replaces serine 538 with arginine.
Molecular consequence: missense variant.
Genome position (GRCh38, 1-based): chr16:30,711,956, C>G. VCF-style: chr16-30711956-C-G. GRCh37 (hg19) VCF-style: chr16-30723277-C-G.
Other names: short protein forms S538R.
Identifiers: ClinVar variation 1049845 (VCV001049845.1), dbSNP rs374756213, ClinGen allele CA280506091.